The following is an entry in ClinVar:

NM_024782.3(NHEJ1):c.616G>A (p.Asp206Asn)

Gene: NHEJ1 (non-homologous end joining factor 1; minus strand). Cytogenetic location: 2q35.
Variant type: single nucleotide variant.
Coding change: c.616G>A on transcript NM_024782.3 (MANE Select); coding-DNA position 616, G replaced by A.
Protein change: p.Asp206Asn; replaces aspartic acid 206 with asparagine.
Molecular consequence: missense variant. On other transcripts: non-coding transcript variant (1).
Genome position (GRCh38, 1-based): chr2:219,078,179, C>T on the plus strand (G>A on the coding strand, the complement: NHEJ1 is on the minus strand). VCF-style: chr2-219078179-C-T. GRCh37 (hg19) VCF-style: chr2-219942901-C-T.
Other names: c.616G>A, p.Asp206Asn (NM_001377498.1, NM_001377499.1); short protein forms D206N.
Identifiers: ClinVar variation 1496369 (VCV001496369.8), dbSNP rs1474143340, ClinGen allele CA350642649.
Genomic context (GRCh38, chr2:219,078,179, plus strand): 5'-CCTCTTGTGTGGTGACTGCCATATACAGATCCTGCAGATTCATGACAAAGGGCTTTCCAT[C>T]ACCAATGCTGCATGCCTCTGGCAGTTTCTGTAAGAGAGAGGAGATACTGTCATTGGTTAC-3'
Protein context (NP_079058.1, residues 196-216): EKLPEACSIG[Asp206Asn]GKPFVMNLQD

ClinVar aggregate classification (germline): Uncertain significance (1 of 4 stars; one submission).

Conditions:
Cernunnos-XLF deficiency (IMD124). Also called: Severe combined immunodeficiency with sensitivity to ionizing radiation due to NHEJ1 deficiency; SCID, autosomal recessive, T cell-negative, B cell-negative, NK cell-positive, and sensitivity to ionizing radiation due to NHEJ1 deficiency; IMMUNODEFICIENCY 124, SEVERE COMBINED; SCID, AUTOSOMAL RECESSIVE, T CELL-NEGATIVE, B CELL-NEGATIVE, NK CELL-POSITIVE, WITH MICROCEPHALY, GROWTH RETARDATION, AND SENSITIVITY TO IONIZING RADIATION; NHEJ1 SYNDROME. Identifiers: Orphanet 169079, MedGen C1969799, MONDO:0012650, OMIM 611291.

Allele frequency attached by ClinVar (database versions not stated): gnomAD exomes below 0.00001; gnomAD 0.00001.

Submission:

Labcorp Genetics (formerly Invitae), Labcorp
Classification: Uncertain significance for Cernunnos-XLF deficiency. Last evaluated: 2021-01-14. Review status: criteria provided, single submitter. Criteria: Invitae Variant Classification Sherloc (09022015). Collection method: clinical testing. Allele origin: germline.
Comment: This sequence change replaces aspartic acid with asparagine at codon 206 of the NHEJ1 protein (p.Asp206Asn). The aspartic acid residue is moderately conserved and there is a small physicochemical difference between aspartic acid and asparagine. This variant is not present in population databases (ExAC no frequency). This variant has not been reported in the literature in individuals with NHEJ1-related conditions. Algorithms developed to predict the effect of missense changes on protein structure and function output the following: SIFT: "Tolerated"; PolyPhen-2: "Benign"; Align-GVGD: "Class C0". The asparagine amino acid residue is found in multiple mammalian species, suggesting that this missense change does not adversely affect protein function. These predictions have not been confirmed by published functional studies and their clinical significance is uncertain. In summary, the available evidence is currently insufficient to determine the role of this variant in disease. Therefore, it has been classified as a Variant of Uncertain Significance.